The following is an entry in ClinVar:

ClinVar aggregate classification (germline): Uncertain significance. Review status: criteria provided, multiple submitters, no conflicts (2 of 4 stars). 2 submissions from 2 submitters: Uncertain significance (2). Last evaluated 2024-09-23.

Conditions:
Charcot-Marie-Tooth disease type 2. Also called: Charcot-Marie-Tooth type 2. Identifiers: Orphanet 64746, MedGen C0270914, MONDO:0018993.

Allele frequency attached by ClinVar (database versions not stated): gnomAD exomes below 0.00001.
gnomAD v4.1: 1 of 1,613,956 alleles (0.000062%); highest among the groups gnomAD compares: Non-Finnish European, 0.000085%; no homozygotes.

Submissions (2):

Labcorp Genetics (formerly Invitae), Labcorp
Classification: Uncertain significance for Charcot-Marie-Tooth disease type 2. Last evaluated: 2024-09-23. Review status: criteria provided, single submitter. Criteria: Invitae Variant Classification Sherloc (09022015). Collection method: clinical testing. Allele origin: germline.
Comment: This sequence change replaces cysteine, which is neutral and slightly polar, with glycine, which is neutral and non-polar, at codon 231 of the GARS protein (p.Cys231Gly). This variant is not present in population databases (gnomAD no frequency). This variant has not been reported in the literature in individuals affected with GARS-related conditions. ClinVar contains an entry for this variant (Variation ID: 1059548). Invitae Evidence Modeling of protein sequence and biophysical properties (such as structural, functional, and spatial information, amino acid conservation, physicochemical variation, residue mobility, and thermodynamic stability) indicates that this missense variant is not expected to disrupt GARS protein function with a negative predictive value of 80%. In summary, the available evidence is currently insufficient to determine the role of this variant in disease. Therefore, it has been classified as a Variant of Uncertain Significance.

Ambry Genetics
Classification: Uncertain significance. Last evaluated: 2022-02-03. Review status: criteria provided, single submitter. Criteria: Ambry Variant Classification Scheme 2023. Collection method: clinical testing. Allele origin: germline.

NM_002047.4(GARS1):c.691T>G (p.Cys231Gly)

Gene: GARS1 (glycyl-tRNA synthetase 1; plus strand). Cytogenetic location: 7p14.3.
Variant type: single nucleotide variant.
Coding change: c.691T>G on transcript NM_002047.4 (MANE Select); coding-DNA position 691, T replaced by G.
Protein change: p.Cys231Gly; replaces cysteine 231 with glycine.
Molecular consequence: missense variant.
Genome position (GRCh38, 1-based): chr7:30,603,528, T>G. VCF-style: chr7-30603528-T-G. GRCh37 (hg19) VCF-style: chr7-30643144-T-G.
Other names: c.691T>G (NM_002047.2); c.529T>G, p.Cys177Gly (NM_001316772.1); short protein forms C177G, C231G.
Identifiers: ClinVar variation 1059548 (VCV001059548.10), dbSNP rs1584026626, ClinGen allele CA367139940.